The following is an entry in ClinVar:

ClinVar aggregate classification (germline): Conflicting classifications of pathogenicity. Review status: criteria provided, conflicting classifications (1 of 4 stars). 7 submissions from 7 submitters: Uncertain significance (5); Likely benign (2). Last evaluated 2025-12-03.

Conditions:
Hereditary cancer-predisposing syndrome. Also called: Tumor predisposition; Hereditary Cancer Syndrome; Hereditary neoplastic syndrome; Neoplastic Syndromes, Hereditary. Identifiers: Orphanet 140162, MedGen C0027672, MeSH D009386, MONDO:0015356.
Hereditary breast ovarian cancer syndrome. Also called: Breast and ovarian cancer; Hereditary breast and ovarian cancer syndrome; Hereditary breast and ovarian cancer; BRCA1- and BRCA2-Associated Hereditary Breast and Ovarian Cancer; Hereditary breast and ovarian cancer syndrome (HBOC); Hereditary breast and/or ovarian cancer syndrome. Identifiers: Orphanet 145, MedGen C0677776, MeSH D061325, MONDO:0003582. Disease mechanism: loss of function.
Breast-ovarian cancer, familial, susceptibility to, 2 (BROVCA2). Also called: BRCA2 Hereditary Breast and Ovarian Cancer. Identifiers: Orphanet 145, MedGen C2675520, MONDO:0012933, OMIM 612555. Disease mechanism: loss of function.
Familial cancer of breast. Also called: BREAST CANCER, FAMILIAL; hereditary breast carcinoma; Hereditary breast cancer. Identifiers: Orphanet 227535, MedGen C0346153, MONDO:0016419, OMIM 114480. Disease mechanism: loss of function.

Allele frequency attached by ClinVar (database versions not stated): TOPMed below 0.00001.
gnomAD v4.1: 2 of 1,613,970 alleles (0.00012%); highest among the groups gnomAD compares: Non-Finnish European, 0.00017%; no homozygotes.

Submissions (7):

Labcorp Genetics (formerly Invitae), Labcorp
Classification: Uncertain significance for Hereditary breast ovarian cancer syndrome. Last evaluated: 2025-12-03. Review status: criteria provided, single submitter. Criteria: Invitae Variant Classification Sherloc (09022015). Collection method: clinical testing. Allele origin: germline.
Comment: This sequence change replaces threonine, which is neutral and polar, with lysine, which is basic and polar, at codon 3211 of the BRCA2 protein (p.Thr3211Lys). This variant is not present in population databases (gnomAD no frequency). This variant has not been reported in the literature in individuals affected with BRCA2-related conditions. ClinVar contains an entry for this variant (Variation ID: 182275). Invitae Evidence Modeling of protein sequence and biophysical properties (such as structural, functional, and spatial information, amino acid conservation, physicochemical variation, residue mobility, and thermodynamic stability) indicates that this missense variant is not expected to disrupt BRCA2 protein function with a negative predictive value of 95%. In summary, the available evidence is currently insufficient to determine the role of this variant in disease. Therefore, it has been classified as a Variant of Uncertain Significance.

Ambry Genetics
Classification: Uncertain significance for Hereditary cancer-predisposing syndrome. Last evaluated: 2025-03-31. Review status: criteria provided, single submitter. Criteria: Ambry Variant Classification Scheme 2023. Collection method: clinical testing. Allele origin: germline.
Comment: The p.T3211K variant (also known as c.9632C>A), located in coding exon 25 of the BRCA2 gene, results from a C to A substitution at nucleotide position 9632. The threonine at codon 3211 is replaced by lysine, an amino acid with some similar properties. This amino acid position is poorly conserved in available vertebrate species. In addition, this alteration is predicted to be tolerated by in silico analysis. Since supporting evidence is limited at this time, the clinical significance of this alteration remains unclear.

Women's Health and Genetics/Laboratory Corporation of America, LabCorp
Classification: Uncertain significance. Last evaluated: 2024-06-17. Review status: criteria provided, single submitter. Criteria: LabCorp Variant Classification Summary - May 2015. Collection method: clinical testing. Allele origin: germline.
Comment: Variant summary: BRCA2 c.9632C>A (p.Thr3211Lys) results in a non-conservative amino acid change in the encoded protein sequence. Four of five in-silico tools predict a benign effect of the variant on protein function. The variant allele was found at a frequency of 1.2e-06 in 1613970 control chromosomes. The available data on variant occurrences in the general population are insufficient to allow any conclusion about variant significance. c.9632C>A has been reported in the literature in at least two individuals with a history of cancer (e.g, Spearman_2008, Zhang_2015). However, these report(s) do not provide unequivocal conclusions about association of the variant with BRCA2-related conditions. To our knowledge, no experimental evidence demonstrating an impact on protein function has been reported. The following publications have been ascertained in the context of this evaluation (PMID: 18824701, 26580448). ClinVar contains an entry for this variant (Variation ID: 182275). Based on the evidence outlined above, the variant was classified as uncertain significance.

All of Us Research Program, National Institutes of Health
Classification: Likely benign for Breast-ovarian cancer, familial, susceptibility to, 2. Last evaluated: 2023-10-06. Review status: criteria provided, single submitter. Criteria: ACMG Guidelines, 2015. Collection method: clinical testing. Allele origin: germline. Inheritance: Autosomal dominant inheritance. Observed: 2 variant alleles, 2 heterozygotes.
Comment: This study involves interpretation of variants in research participants for the purpose of population health screening. Participant phenotype was not available at the time of variant classification. Additional details can be found in publication PMID: 35346344, PMCID: PMC8962531

Baylor Genetics
Classification: Uncertain significance for Familial cancer of breast. Last evaluated: 2023-08-23. Review status: criteria provided, single submitter. Criteria: ACMG Guidelines, 2015. Collection method: clinical testing. Allele origin: unknown.

GeneDx
Classification: Uncertain significance. Last evaluated: 2018-11-30. Review status: criteria provided, single submitter. Criteria: GeneDx Variant Classification (06012015). Collection method: clinical testing. Allele origin: germline. Affected: yes.
Comment: This variant is denoted BRCA2 c.9632C>A at the cDNA level, p.Thr3211Lys (T3211K) at the protein level, and results in the change of a Threonine to a Lysine (ACA>AAA). Using alternate nomenclature, this variant would be defined as BRCA2 9860C>A. This variant has been observed in at least one individual with a history of breast cancer (Spearman 2008). BRCA2 Thr3211Lys was not observed in large population cohorts (Lek 2016). This variant is not located in a known functional domain. While protein-based in silico analysis supports that this variant does not alter protein structure/function, splicing models predict the creation of a novel splice site. However, in the absence of RNA or functional studies, the actual effect of this variant is unknown. Based on currently available evidence, it is unclear whether BRCA2 Thr3211Lys is a pathogenic or benign variant. We consider it to be a variant of uncertain significance.

Color Diagnostics, LLC DBA Color Health
Classification: Likely benign for Hereditary cancer-predisposing syndrome. Last evaluated: 2015-09-21. Review status: criteria provided, single submitter. Criteria: ACMG Guidelines, 2015. Collection method: clinical testing. Allele origin: germline.

Literature cited by the submitters: PubMed 18824701 (cited by Women's Health and Genetics/Laboratory Corporation of America, LabCorp); PubMed 26580448 (cited by Women's Health and Genetics/Laboratory Corporation of America, LabCorp).

NM_000059.4(BRCA2):c.9632C>A (p.Thr3211Lys)

Gene: BRCA2 (BRCA2 DNA repair associated; plus strand). Cytogenetic location: 13q13.1.
Variant type: single nucleotide variant.
Coding change: c.9632C>A on transcript NM_000059.4 (MANE Select); coding-DNA position 9632, C replaced by A.
Protein change: p.Thr3211Lys; replaces threonine 3211 with lysine.
Molecular consequence: missense variant.
Genome position (GRCh38, 1-based): chr13:32,397,028, C>A. VCF-style: chr13-32397028-C-A. GRCh37 (hg19) VCF-style: chr13-32971165-C-A.
Other names: p.T3211K:ACA>AAA; short protein forms T3211K.
Identifiers: ClinVar variation 182275 (VCV000182275.22), dbSNP rs730881583, ClinGen allele CA026240.